The following is an entry in ClinVar:

ClinVar aggregate classification (germline): Uncertain significance (1 of 4 stars; one submission).

Conditions:
Multiple endocrine neoplasia, type 2 (MEN2). Identifiers: Orphanet 653, MedGen C4048306, MONDO:0019003. Disease mechanism: gain of function.

Submission:

Labcorp Genetics (formerly Invitae), Labcorp
Classification: Uncertain significance for Multiple endocrine neoplasia, type 2. Last evaluated: 2023-01-18. Review status: criteria provided, single submitter. Criteria: Invitae Variant Classification Sherloc (09022015). Collection method: clinical testing. Allele origin: germline.
Comment: In summary, the available evidence is currently insufficient to determine the role of this variant in disease. Therefore, it has been classified as a Variant of Uncertain Significance. Algorithms developed to predict the effect of missense changes on protein structure and function are either unavailable or do not agree on the potential impact of this missense change (SIFT: "Tolerated"; PolyPhen-2: "Probably Damaging"; Align-GVGD: "Class C0"). This variant has not been reported in the literature in individuals affected with RET-related conditions. This variant is not present in population databases (gnomAD no frequency). This sequence change replaces glutamic acid, which is acidic and polar, with valine, which is neutral and non-polar, at codon 366 of the RET protein (p.Glu366Val).

NM_020975.6(RET):c.1097A>T (p.Glu366Val)

Gene: RET (ret proto-oncogene; plus strand). Cytogenetic location: 10q11.21.
Variant type: single nucleotide variant.
Coding change: c.1097A>T on transcript NM_020975.6 (MANE Select); coding-DNA position 1097, A replaced by T.
Protein change: p.Glu366Val; replaces glutamic acid 366 with valine.
Molecular consequence: missense variant. On other transcripts: intron variant (18).
Genome position (GRCh38, 1-based): chr10:43,109,064, A>T. VCF-style: chr10-43109064-A-T. GRCh37 (hg19) VCF-style: chr10-43604512-A-T.
Other names: c.371A>T, p.Glu124Val (NM_001406777.1, NM_001406778.1, NM_001406775.1 and 1 more transcripts); c.107A>T, p.Glu36Val (NM_001406784.1); c.1097A>T, p.Glu366Val (NM_020629.2, NM_020630.7, NM_000323.2 and 6 more transcripts); c.868-2143A>T (NM_001406772.1, NM_001406769.1); c.626-3035A>T (NM_001406782.1, NM_001406780.1, NM_001406779.1 and 3 more transcripts); c.74-3035A>T (NM_001406794.1, NM_001406792.1, NM_001406793.1); c.335A>T, p.Glu112Val (NM_001355216.2); c.968A>T, p.Glu323Val (NM_001406761.1, NM_001406762.1, NM_001406764.1 and 1 more transcripts); and 5 more; short protein forms E112V, E270V, E323V, E366V, E36V, E124V, E220V.
Identifiers: ClinVar variation 2829759 (VCV002829759.3), dbSNP rs760560422, ClinGen allele CA376547304.
Genomic context (GRCh38, chr10:43,109,064, plus strand): 5'-TGGTCATTGTTGTGCCCCTACCTGCAGGGCTGGTTCTCAACCGGAACCTCTCCATCTCGG[A>T]GAACCGCACCATGCAGCTGGCGGTGCTGGTCAATGACTCAGACTTCCAGGGCCCAGGAGC-3'
Protein context (NP_066124.1, residues 356-376): LVLNRNLSIS[Glu366Val]NRTMQLAVLV